The following is an entry in ClinVar:

ClinVar aggregate classification (germline): Uncertain significance (1 of 4 stars; one submission).

gnomAD v4.1: 4 of 1,586,788 alleles (0.00025%); highest among the groups gnomAD compares: Non-Finnish European, 0.00034%; no homozygotes.

Submission:

GeneDx
Classification: Uncertain significance. Last evaluated: 2024-09-06. Review status: criteria provided, single submitter. Criteria: GeneDx Variant Classification Process June 2021. Collection method: clinical testing. Allele origin: germline. Affected: yes.
Comment: Not observed at significant frequency in large population cohorts (gnomAD); In silico analysis indicates that this missense variant does not alter protein structure/function; Has not been previously published as pathogenic or benign to our knowledge

NM_183381.3(RNF13):c.205A>G (p.Ile69Val)

Gene: RNF13 (ring finger protein 13; plus strand). Cytogenetic location: 3q25.1.
Variant type: single nucleotide variant.
Coding change: c.205A>G on transcript NM_183381.3 (MANE Select); coding-DNA position 205, A replaced by G.
Protein change: p.Ile69Val; replaces isoleucine 69 with valine.
Molecular consequence: missense variant. On other transcripts: 5 prime UTR variant (6), non-coding transcript variant (1).
Genome position (GRCh38, 1-based): chr3:149,872,038, A>G. VCF-style: chr3-149872038-A-G. GRCh37 (hg19) VCF-style: chr3-149589825-A-G.
Other names: c.205A>G, p.Ile69Val (NM_001378285.1, NM_001378286.1, NM_007282.4); c.-163A>G (NM_001378287.1, NM_001378288.1, NM_001378289.1 and 2 more transcripts); c.-189A>G (NM_001378291.1); short protein forms I69V.
Identifiers: ClinVar variation 3767448 (VCV003767448.1).